The following is an entry in ClinVar:

ClinVar aggregate classification (germline): Benign. Review status: criteria provided, multiple submitters, no conflicts (2 of 4 stars). 4 submissions from 4 submitters: Benign (4). Last evaluated 2026-01-26.

Conditions:
Renal tubular dysgenesis. Also called: Renotubular dysgenesis. Identifiers: Orphanet 3033, MedGen C0266313, MONDO:0017609, HP:0008660.

Allele frequency attached by ClinVar (database versions not stated): gnomAD exomes 0.00309 and 0.00807; ExAC 0.01032; gnomAD 0.02923 and 0.03115; TOPMed 0.03341; 1000 Genomes Project 0.03415; ESP Exome Variant Server 0.03437; 1000 Genomes Project 30x 0.03638.
gnomAD v4.1: 9,194 of 1,612,334 alleles (0.57%); highest among the groups gnomAD compares: African/African-American, 10%; 391 homozygotes.

Submissions (4):

Labcorp Genetics (formerly Invitae), Labcorp
Classification: Benign. Last evaluated: 2026-01-26. Review status: criteria provided, single submitter. Criteria: Invitae Variant Classification Sherloc (09022015). Collection method: clinical testing. Allele origin: germline.

Mayo Clinic Laboratories, Mayo Clinic
Classification: Benign. Last evaluated: 2023-04-10. Review status: criteria provided, single submitter. Criteria: ACMG Guidelines, 2015. Collection method: clinical testing. Allele origin: germline. Observed: 5 variant alleles.

Illumina Laboratory Services, Illumina
Classification: Benign for Renal tubular dysgenesis of genetic origin. Last evaluated: 2018-01-13. Review status: criteria provided, single submitter. Criteria: ICSL Variant Classification Criteria 13 December 2019. Collection method: clinical testing. Allele origin: germline.
Comment: This variant was observed in the ICSL laboratory as part of a predisposition screen in an ostensibly healthy population. It had not been previously curated by ICSL or reported in the Human Gene Mutation Database (HGMD: prior to June 1st, 2018), and was therefore a candidate for classification through an automated scoring system. Utilizing variant allele frequency, disease prevalence and penetrance estimates, and inheritance mode, an automated score was calculated to assess if this variant is too frequent to cause the disease. Based on the score and internal cut-off values, a variant classified as benign is not then subjected to further curation. The score for this variant resulted in a classification of benign for this disease.

Breakthrough Genomics
Classification: Benign. Review status: criteria provided, single submitter. Criteria: ACMG Guidelines, 2015. Collection method: not provided. Allele origin: germline. Inheritance: Autosomal recessive inheritance. Affected: yes.

NM_000789.4(ACE):c.3380+5C>T

Gene: ACE (angiotensin I converting enzyme; plus strand). Cytogenetic location: 17q23.3.
Variant type: single nucleotide variant.
Coding change: c.3380+5C>T on transcript NM_000789.4 (MANE Select); 5 bases into the intron after coding-DNA position 3380, C replaced by T.
Molecular consequence: intron variant.
Genome position (GRCh38, 1-based): chr17:63,494,475, C>T. VCF-style: chr17-63494475-C-T. GRCh37 (hg19) VCF-style: chr17-61571836-C-T.
Other names: c.1658+5C>T (NM_152830.3, NM_001178057.2).
Identifiers: ClinVar variation 324416 (VCV000324416.15), dbSNP rs12720737, ClinGen allele CA8700462.